The following is an entry in ClinVar:

ClinVar aggregate classification (germline): Uncertain significance (1 of 4 stars; one submission).

Conditions:
3-hydroxyisobutyryl-CoA hydrolase deficiency. Also called: Deficiency of 3-hydroxyisobutyryl CoA hydrolase; HIBCH DEFICIENCY; METHACRYLIC ACID TOXICITY; METHACRYLIC ACIDURIA; VALINE METABOLIC DEFECT; Reduced circulating 3-hydroxyisobutyryl-CoA hydrolase activity. Identifiers: Orphanet 88639, MedGen C0342738, MONDO:0009603, OMIM 250620, HP:6000215.

Allele frequency attached by ClinVar (database versions not stated): TOPMed 0.00001; ExAC 0.00002; gnomAD 0.00002; 1000 Genomes Project 30x 0.00031; 1000 Genomes Project 0.00040.
gnomAD v4.1: 6 of 1,613,766 alleles (0.00037%); highest among the groups gnomAD compares: Admixed American, 0.01%; no homozygotes.

Submission:

Labcorp Genetics (formerly Invitae), Labcorp
Classification: Uncertain significance for 3-hydroxyisobutyryl-CoA hydrolase deficiency. Last evaluated: 2023-11-28. Review status: criteria provided, single submitter. Criteria: Invitae Variant Classification Sherloc (09022015). Collection method: clinical testing. Allele origin: germline.
Comment: This sequence change replaces histidine, which is basic and polar, with leucine, which is neutral and non-polar, at codon 343 of the HIBCH protein (p.His343Leu). This variant is present in population databases (rs182123874, gnomAD 0.006%). This variant has not been reported in the literature in individuals affected with HIBCH-related conditions. ClinVar contains an entry for this variant (Variation ID: 2160472). Advanced modeling of protein sequence and biophysical properties (such as structural, functional, and spatial information, amino acid conservation, physicochemical variation, residue mobility, and thermodynamic stability) performed at Invitae indicates that this missense variant is not expected to disrupt HIBCH protein function with a negative predictive value of 80%. This variant disrupts the p.His343 amino acid residue in HIBCH. Other variant(s) that disrupt this residue have been determined to be pathogenic (PMID: 33762937). This suggests that this residue is clinically significant, and that variants that disrupt this residue are likely to be disease-causing. In summary, the available evidence is currently insufficient to determine the role of this variant in disease. Therefore, it has been classified as a Variant of Uncertain Significance.

Literature cited by the submitters: PubMed 33762937.

NM_014362.4(HIBCH):c.1028A>T (p.His343Leu)

Gene: HIBCH (3-hydroxyisobutyryl-CoA hydrolase; minus strand). Cytogenetic location: 2q32.2.
Variant type: single nucleotide variant.
Coding change: c.1028A>T on transcript NM_014362.4 (MANE Select); coding-DNA position 1028, A replaced by T.
Protein change: p.His343Leu; replaces histidine 343 with leucine.
Molecular consequence: missense variant. On other transcripts: intron variant (1).
Genome position (GRCh38, 1-based): chr2:190,208,897, T>A on the plus strand (A>T on the coding strand, the complement: HIBCH is on the minus strand). VCF-style: chr2-190208897-T-A. GRCh37 (hg19) VCF-style: chr2-191073623-T-A.
Other names: c.1012-3665A>T (NM_198047.3); short protein forms H343L.
Identifiers: ClinVar variation 2160472 (VCV002160472.4), dbSNP rs182123874, ClinGen allele CA2027382.